The following is an entry in ClinVar:

NM_000051.4(ATM):c.1888del (p.Val630fs)

Gene: ATM (ATM serine/threonine kinase; plus strand). Cytogenetic location: 11q22.3.
Variant type: Deletion.
Coding change: c.1888del on transcript NM_000051.4 (MANE Select); coding-DNA position 1888, one base deleted (G; older notation c.1888delG).
Protein change: p.Val630fs; shifts the reading frame from valine 630.
Molecular consequence: frameshift variant.
Genome position (GRCh38, 1-based): chr11:108,252,902, G deleted. VCF-style (leftmost placement, unchanged base first): chr11-108252901-CG-C. GRCh37 (hg19) VCF-style: chr11-108123628-CG-C.
Other names: c.1888del, p.Val630fs (NM_001351834.2); short protein forms V630fs.
Identifiers: ClinVar variation 3148223 (VCV003148223.1), dbSNP rs2474793895, ClinGen allele CA2825001806.
Genomic context (GRCh38, chr11:108,252,901, plus strand): 5'-GAAAATTCTTGTGAGTCTCACTATGAAAAACTGTAAAGCTGCAATGAATTTTTTCCAAAG[CG>C]TGCCAGAATGGTATGTTATCTAATAATGCTCTTTATCATTTTAAGCTATAGCTTTAATTA-3'

ClinVar aggregate classification (germline): Pathogenic (1 of 4 stars; one submission).

Conditions:
Familial cancer of breast. Also called: BREAST CANCER, FAMILIAL; Hereditary breast cancer; hereditary breast carcinoma. Identifiers: Orphanet 227535, MedGen C0346153, MONDO:0016419, OMIM 114480. Disease mechanism: loss of function.

Submission:

Myriad Genetics, Inc.
Classification: Pathogenic for Familial cancer of breast. Last evaluated: 2024-01-16. Review status: criteria provided, single submitter. Criteria: Myriad Autosomal Dominant, Autosomal Recessive and X-Linked Classification Criteria (2023). Collection method: clinical testing. Allele origin: unknown.
Comment: This variant is considered pathogenic. This variant creates a frameshift predicted to result in premature protein truncation.